The following is an entry in ClinVar:

ClinVar aggregate classification (germline): Uncertain significance. Review status: criteria provided, multiple submitters, no conflicts (2 of 4 stars). 2 submissions from 2 submitters: Uncertain significance (2). Last evaluated 2024-02-12.

Conditions:
Inborn genetic diseases. Identifiers: MedGen C0950123, MeSH D030342.
Xeroderma pigmentosum, group F (XPF). Also called: ERCC4-Related Xeroderma Pigmentosum; XERODERMA PIGMENTOSUM, TYPE F; Xeroderma pigmentosum, type 6; XERODERMA PIGMENTOSUM VI; XP, GROUP F; XERODERMA PIGMENTOSUM, COMPLEMENTATION GROUP F. Identifiers: MedGen C0268140, MONDO:0010215, OMIM 278760.
Cockayne syndrome. Identifiers: Orphanet 191, MedGen C0009207, MONDO:0016006.
Fanconi anemia complementation group Q. Identifiers: Orphanet 84, MedGen C3808988, MONDO:0014108, OMIM 615272.

Allele frequency attached by ClinVar (database versions not stated): gnomAD exomes below 0.00001; TOPMed below 0.00001.
gnomAD v4.1: 1 of 1,614,180 alleles (0.000062%); highest among the groups gnomAD compares: East Asian, 0.0022%; no homozygotes.

Submissions (2):

Ambry Genetics
Classification: Uncertain significance for Inborn genetic diseases. Last evaluated: 2024-02-12. Review status: criteria provided, single submitter. Criteria: Ambry Variant Classification Scheme 2023. Collection method: clinical testing. Allele origin: germline.

Labcorp Genetics (formerly Invitae), Labcorp
Classification: Uncertain significance for Fanconi anemia complementation group Q; Xeroderma pigmentosum, group F; Cockayne syndrome. Last evaluated: 2022-10-15. Review status: criteria provided, single submitter. Criteria: Invitae Variant Classification Sherloc (09022015). Collection method: clinical testing. Allele origin: germline.
Comment: In summary, the available evidence is currently insufficient to determine the role of this variant in disease. Therefore, it has been classified as a Variant of Uncertain Significance. Advanced modeling of protein sequence and biophysical properties (such as structural, functional, and spatial information, amino acid conservation, physicochemical variation, residue mobility, and thermodynamic stability) performed at Invitae indicates that this missense variant is expected to disrupt ERCC4 protein function. This variant has not been reported in the literature in individuals affected with ERCC4-related conditions. This variant is not present in population databases (gnomAD no frequency). This sequence change replaces leucine, which is neutral and non-polar, with valine, which is neutral and non-polar, at codon 793 of the ERCC4 protein (p.Leu793Val).

NM_005236.3(ERCC4):c.2377C>G (p.Leu793Val)

Gene: ERCC4 (ERCC excision repair 4, endonuclease catalytic subunit; plus strand). Cytogenetic location: 16p13.12.
Variant type: single nucleotide variant.
Coding change: c.2377C>G on transcript NM_005236.3 (MANE Select); coding-DNA position 2377, C replaced by G.
Protein change: p.Leu793Val; replaces leucine 793 with valine.
Molecular consequence: missense variant.
Genome position (GRCh38, 1-based): chr16:13,947,973, C>G. VCF-style: chr16-13947973-C-G. GRCh37 (hg19) VCF-style: chr16-14041830-C-G.
Other names: short protein forms L793V.
Identifiers: ClinVar variation 2067544 (VCV002067544.5), dbSNP rs1200828246, ClinGen allele CA394823276.
Genomic context (GRCh38, chr16:13,947,973, plus strand): 5'-GGTGCCTTGTTTCAGGAGATCTCCAGCAATGACATTAGTTCCAAACTCACTCTTCTTACA[C>G]TTCACTTCCCCAGACTACGGATTCTCTGGTGCCCCTCTCCTCATGCAACGGCGGAGTTGT-3'
Protein context (NP_005227.1, residues 783-803): DISSKLTLLT[Leu793Val]HFPRLRILWC